The following is an entry in ClinVar:

ClinVar aggregate classification (germline): Uncertain significance (1 of 4 stars; one submission).

Allele frequency attached by ClinVar (database versions not stated): TOPMed below 0.00001; gnomAD exomes 0.00001.
gnomAD v4.1: 7 of 1,550,552 alleles (0.00045%); highest among the groups gnomAD compares: Non-Finnish European, 0.00061%; no homozygotes.

Submission:

Labcorp Genetics (formerly Invitae), Labcorp
Classification: Uncertain significance. Last evaluated: 2024-11-05. Review status: criteria provided, single submitter. Criteria: Invitae Variant Classification Sherloc (09022015). Collection method: clinical testing. Allele origin: germline.
Comment: This sequence change replaces glycine, which is neutral and non-polar, with serine, which is neutral and polar, at codon 10 of the TMEM230 protein (p.Gly10Ser). This variant is not present in population databases (gnomAD no frequency). This variant has not been reported in the literature in individuals affected with TMEM230-related conditions. ClinVar contains an entry for this variant (Variation ID: 2778542). An algorithm developed to predict the effect of missense changes on protein structure and function outputs the following: PolyPhen-2: "Probably Damaging". The serine amino acid residue is found in multiple mammalian species, which suggests that this missense change does not adversely affect protein function. In summary, the available evidence is currently insufficient to determine the role of this variant in disease. Therefore, it has been classified as a Variant of Uncertain Significance.

NM_001009925.2(TMEM230):c.-56G>A

Gene: TMEM230 (transmembrane protein 230; minus strand). Cytogenetic location: 20p12.3.
Variant type: single nucleotide variant.
Coding change: c.-56G>A on transcript NM_001009925.2 (MANE Select); 56 bases upstream of the start codon, G replaced by A.
Molecular consequence: 5 prime UTR variant.
Genome position (GRCh38, 1-based): chr20:5,113,001, C>T on the plus strand (G>A on the coding strand, the complement: TMEM230 is on the minus strand). VCF-style: chr20-5113001-C-T. GRCh37 (hg19) VCF-style: chr20-5093647-C-T.
Other names: c.-380G>A (NM_001009924.2); c.-332G>A (NM_001330984.2); c.-297G>A (NM_001330985.2); c.-274G>A (NM_001330986.2); c.-56G>A (NM_001330987.2); c.-162G>A (NM_001423980.1); c.-287G>A (NM_014145.5).
Identifiers: ClinVar variation 2778542 (VCV002778542.3), dbSNP rs1430270730, ClinGen allele CA408158424.